The following is an entry in ClinVar:

NM_182643.3(DLC1):c.4505A>G (p.His1502Arg)

Gene: DLC1 (DLC1 Rho GTPase activating protein; minus strand). Cytogenetic location: 8p22.
Variant type: single nucleotide variant.
Coding change: c.4505A>G on transcript NM_182643.3 (MANE Select); coding-DNA position 4505, A replaced by G.
Protein change: p.His1502Arg; replaces histidine 1502 with arginine.
Molecular consequence: missense variant.
Genome position (GRCh38, 1-based): chr8:13,085,893, T>C on the plus strand (A>G on the coding strand, the complement: DLC1 is on the minus strand). VCF-style: chr8-13085893-T-C. GRCh37 (hg19) VCF-style: chr8-12943402-T-C.
Other names: c.2972A>G, p.His991Arg (NM_001164271.2, NM_001348082.2, NM_001348083.1 and 6 more transcripts); c.3296A>G, p.His1099Arg (NM_001316668.2); c.4505A>G, p.His1502Arg (NM_001348081.2, NM_001413124.1); c.3077A>G, p.His1026Arg (NM_001413129.1); c.3287A>G, p.His1096Arg (NM_001413130.1); c.2945A>G, p.His982Arg (NM_001413131.1, NM_001413137.1); c.3431A>G, p.His1144Arg (NM_001413132.1); c.3194A>G, p.His1065Arg (NM_001413135.1, NM_006094.5); and 2 more; short protein forms H1502R, H1099R, H982R, H1026R, H1110R, H1144R, H992R, H1065R.
Identifiers: ClinVar variation 2011608 (VCV002011608.4), dbSNP rs2536919410, ClinGen allele CA370338139.

ClinVar aggregate classification (germline): Uncertain significance (1 of 4 stars; one submission).

Allele frequency attached by ClinVar (database versions not stated): gnomAD exomes below 0.00001.
gnomAD v4.1: 1 of 1,614,174 alleles (0.000062%); highest among the groups gnomAD compares: Non-Finnish European, 0.000085%; no homozygotes.

Submission:

Labcorp Genetics (formerly Invitae), Labcorp
Classification: Uncertain significance. Last evaluated: 2024-07-17. Review status: criteria provided, single submitter. Criteria: Invitae Variant Classification Sherloc (09022015). Collection method: clinical testing. Allele origin: germline.
Comment: This sequence change replaces histidine, which is basic and polar, with arginine, which is basic and polar, at codon 1502 of the DLC1 protein (p.His1502Arg). This variant is not present in population databases (gnomAD no frequency). This variant has not been reported in the literature in individuals affected with DLC1-related conditions. ClinVar contains an entry for this variant (Variation ID: 2011608). An algorithm developed to predict the effect of missense changes on protein structure and function (PolyPhen-2) suggests that this variant is likely to be disruptive. In summary, the available evidence is currently insufficient to determine the role of this variant in disease. Therefore, it has been classified as a Variant of Uncertain Significance.